The following is an entry in ClinVar:

ClinVar aggregate classification (germline): Likely benign (1 of 4 stars; one submission).

Allele frequency attached by ClinVar (database versions not stated): TOPMed 0.00007; gnomAD 0.00034; gnomAD exomes 0.00066; ExAC 0.00163; 1000 Genomes Project 30x 0.00297; 1000 Genomes Project 0.00319.
gnomAD v4.1: 1,039 of 1,614,054 alleles (0.064%); highest among the groups gnomAD compares: South Asian, 0.94%; 14 homozygotes.

Submission:

CeGaT Center for Human Genetics Tuebingen
Classification: Likely benign. Last evaluated: 2022-11-01. Review status: criteria provided, single submitter. Criteria: CeGaT Center For Human Genetics Tuebingen Variant Classification Criteria Version 2. Collection method: clinical testing. Allele origin: germline. Affected: yes. Observed: 1 variant allele.
Comment: SLC35H1: BP4, BP7, BS2

NM_015945.12(SLC35H1):c.909C>T (p.Phe303=)

Gene: SLC35H1 (solute carrier family 35 member H1; minus strand). Cytogenetic location: 20q13.12.
Variant type: single nucleotide variant.
Coding change: c.909C>T on transcript NM_015945.12 (MANE Select); coding-DNA position 909, C replaced by T.
Protein change: p.Phe303=; no amino-acid change (phenylalanine 303 retained).
Molecular consequence: synonymous variant.
Genome position (GRCh38, 1-based): chr20:46,350,819, G>A on the plus strand (C>T on the coding strand, the complement: SLC35H1 is on the minus strand). VCF-style: chr20-46350819-G-A. GRCh37 (hg19) VCF-style: chr20-44979458-G-A.
Other names: c.567C>T, p.Phe189= (NM_001281457.2); c.996C>T, p.Phe332= (NM_001281458.2); c.504C>T, p.Phe168= (NM_001281459.2); c.909C>T, p.Phe303= (NM_001281460.2, NM_173179.4); c.846C>T, p.Phe282= (NM_173073.4).
Identifiers: ClinVar variation 2652368 (VCV002652368.24), dbSNP rs201556765, ClinGen allele CA9889432.
Genomic context (GRCh38, chr20:46,350,819, plus strand): 5'-ACCTCTGGAATGCAGGGCTTTGAGGGCAACGTGGAGGGATATTCCCGAGAGGCAGAGGGC[G>A]AAGCCCAGCCAGTTCAGGAGGCTGATCTGATCGCCCAGCAGATGAGCTGCCAACAGCAAA-3'
Protein context (NP_057029.8, residues 293-313): DQISLLNWLG[Phe303=]ALCLSGISLH